The following is an entry in ClinVar:

ClinVar aggregate classification (germline): Conflicting classifications of pathogenicity. Review status: criteria provided, conflicting classifications (1 of 4 stars). 2 submissions from 2 submitters: Uncertain significance (1); Likely benign (1). Last evaluated 2025-03-17.

Conditions:
COL2A1-related disorder. Also called: COL2A1-related condition; COL2A1-related disorders.

Allele frequency attached by ClinVar (database versions not stated): ESP Exome Variant Server 0.00015.
gnomAD v4.1: 3 of 1,612,212 alleles (0.00019%); highest among the groups gnomAD compares: African/African-American, 0.004%; no homozygotes.

Submissions (2):

PreventionGenetics, part of Exact Sciences
Classification: Uncertain significance for COL2A1-related condition. Last evaluated: 2025-03-17. Review status: criteria provided, single submitter. Criteria: ACMG Guidelines, 2015. Collection method: clinical testing. Allele origin: germline.
Comment: The COL2A1 c.3172C>A variant is predicted to result in the amino acid substitution p.Arg1058Ser. To our knowledge, this variant has not been reported in the literature. This variant is reported in 0.012% of alleles in individuals of African descent in gnomAD. Although we suspect that this variant may be benign, at this time, the clinical significance of this variant is uncertain due to the absence of conclusive functional and genetic evidence.

Labcorp Genetics (formerly Invitae), Labcorp
Classification: Likely benign. Last evaluated: 2025-02-13. Review status: criteria provided, single submitter. Criteria: Invitae Variant Classification Sherloc (09022015). Collection method: clinical testing. Allele origin: germline.

NM_001844.5(COL2A1):c.3172C>A (p.Arg1058Ser)

Gene: COL2A1 (collagen type II alpha 1 chain; minus strand). Cytogenetic location: 12q13.11.
Variant type: single nucleotide variant.
Coding change: c.3172C>A on transcript NM_001844.5 (MANE Select); coding-DNA position 3172, C replaced by A.
Protein change: p.Arg1058Ser; replaces arginine 1058 with serine.
Molecular consequence: missense variant.
Genome position (GRCh38, 1-based): chr12:47,977,421, G>T on the plus strand (C>A on the coding strand, the complement: COL2A1 is on the minus strand). VCF-style: chr12-47977421-G-T. GRCh37 (hg19) VCF-style: chr12-48371204-G-T.
Other names: c.2965C>A, p.Arg989Ser (NM_033150.3); c.3172C>A (NM_001844.4); short protein forms R1058S, R989S.
Identifiers: ClinVar variation 1411828 (VCV001411828.7), dbSNP rs148350640, ClinGen allele CA6534847.